The following is an entry in ClinVar:

NM_000187.4(HGD):c.662T>A (p.Leu221Ter)

Gene: HGD (homogentisate 1,2-dioxygenase; minus strand). Cytogenetic location: 3q13.33.
Variant type: single nucleotide variant.
Coding change: c.662T>A on transcript NM_000187.4 (MANE Select); coding-DNA position 662, T replaced by A.
Protein change: p.Leu221Ter; replaces leucine 221 with a stop codon.
Molecular consequence: nonsense.
Genome position (GRCh38, 1-based): chr3:120,644,431, A>T on the plus strand (T>A on the coding strand, the complement: HGD is on the minus strand). VCF-style: chr3-120644431-A-T. GRCh37 (hg19) VCF-style: chr3-120363278-A-T.
Other names: short protein forms L221*.
Identifiers: ClinVar variation 1723927 (VCV001723927.2), dbSNP rs2472690316, ClinGen allele CA354075561.

ClinVar aggregate classification (germline): Likely pathogenic (1 of 4 stars; one submission).

Conditions:
Alkaptonuria (AKU). Also called: Alcaptonuria; HOMOGENTISIC ACID OXIDASE DEFICIENCY; Alkaptonuric ochronosis; Homogentisic acidura. Identifiers: Orphanet 56, MedGen C0002066, MONDO:0008753, OMIM 203500.

Submission:

Myriad Genetics, Inc.
Classification: Likely pathogenic for Alkaptonuria. Last evaluated: 2022-01-11. Review status: criteria provided, single submitter. Criteria: Myriad Women's Health Autosomal Recessive and X-Linked Classification Criteria (2021). Collection method: clinical testing. Allele origin: unknown.
Comment: NM_000187.3(HGD):c.662T>A(L221*) is expected to be pathogenic in the context of alkaptonuria. This variant is predicted to lead to an abnormal or absent protein product due to the creation of a premature termination codon in HGD, a gene where loss-of-function variants are known to be pathogenic. Please note: this variant was assessed in the context of healthy population screening.